The following is an entry in ClinVar:

NM_003086.4(SNAPC4):c.1063C>T (p.Arg355Cys)

Gene: SNAPC4 (small nuclear RNA activating complex polypeptide 4; minus strand). Cytogenetic location: 9q34.3.
Variant type: single nucleotide variant.
Coding change: c.1063C>T on transcript NM_003086.4 (MANE Select); coding-DNA position 1063, C replaced by T.
Protein change: p.Arg355Cys; replaces arginine 355 with cysteine.
Molecular consequence: missense variant.
Genome position (GRCh38, 1-based): chr9:136,388,504, G>A on the plus strand (C>T on the coding strand, the complement: SNAPC4 is on the minus strand). VCF-style: chr9-136388504-G-A. GRCh37 (hg19) VCF-style: chr9-139282956-G-A.
Other names: c.1063C>T, p.Arg355Cys (NM_001394201.1, NM_001394202.1, NM_001394203.1); short protein forms R355C.
Identifiers: ClinVar variation 2672211 (VCV002672211.1), dbSNP rs769098156, ClinGen allele CA5334575.
Genomic context (GRCh38, chr9:136,388,504, plus strand): 5'-TTCTGCGGTAGGGGATGTGGCTGCCGACGCGCATCTCCTGCACCAGCTGCGTGAGCATGC[G>A]GTCCTCCTCCTCTGTCCACTCCTTGCGTTTCAGAGCTTTGTTGTGCTGCTGGAATTTCTG-3'
Protein context (NP_003077.2, residues 345-365): KRKEWTEEED[Arg355Cys]MLTQLVQEMR

ClinVar aggregate classification (germline): Uncertain significance (1 of 4 stars; one submission).

Allele frequency attached by ClinVar (database versions not stated): TOPMed below 0.00001; ExAC 0.00001; gnomAD 0.00001.
gnomAD v4.1: 6 of 1,613,656 alleles (0.00037%); highest among the groups gnomAD compares: South Asian, 0.0022%; no homozygotes.

Submission:

Clinical Genomics Laboratory, Washington University in St. Louis
Classification: Uncertain significance. Last evaluated: 2023-08-16. Review status: criteria provided, single submitter. Criteria: ACMG Guidelines, 2015. Collection method: clinical testing. Allele origin: germline.
Comment: The SNAPC4 c.1063C>T (p.Arg355Cys) variant, to our knowledge, has not been reported in the medical literature and is only observed on 1/250,602 alleles in the general population (gnomAD v.2.1.1), indicating it is not a common variant. This variant occurs in the DNA binding domain in an alpha helix, changes a positively charged arginine to a non-polar cysteine, but computational predictors suggest that the variant does not impact SNAPC4 function. Due to limited information, the clinical significance of this variant is uncertain.